The following is an entry in ClinVar:

ClinVar aggregate classification (germline): Likely benign (1 of 4 stars; one submission).

Conditions:
Lung cancer. Also called: Lung cancer, somatic; Malignant tumor of lung. Identifiers: MedGen C0242379, MONDO:0008903, OMIM 211980.

Submission:

Myriad Genetics, Inc.
Classification: Likely benign for Lung cancer. Last evaluated: 2024-10-16. Review status: criteria provided, single submitter. Criteria: Myriad Autosomal Dominant, Autosomal Recessive and X-Linked Classification Criteria (2023). Collection method: clinical testing. Allele origin: unknown.
Comment: This variant is considered likely benign. This variant is intronic and is not expected to impact mRNA splicing.

NM_005228.5(EGFR):c.2062-20T>C

Gene: EGFR (epidermal growth factor receptor; plus strand). Cytogenetic location: 7p11.2.
Variant type: single nucleotide variant.
Coding change: c.2062-20T>C on transcript NM_005228.5 (MANE Select); 20 bases into the intron before coding-DNA position 2062, T replaced by C.
Molecular consequence: intron variant.
Genome position (GRCh38, 1-based): chr7:55,173,901, T>C. VCF-style: chr7-55173901-T-C. GRCh37 (hg19) VCF-style: chr7-55241594-T-C.
Other names: c.1927-20T>C (NM_001346899.2, NM_001346897.2); c.1261-20T>C (NM_001346941.2); c.2062-20T>C (NM_001346898.2); c.1903-20T>C (NM_001346900.2).
Identifiers: ClinVar variation 3773465 (VCV003773465.1).